The following is an entry in ClinVar:

NM_001034853.2(RPGR):c.3186G>C (p.Glu1062Asp)

Gene: RPGR (retinitis pigmentosa GTPase regulator; minus strand). Cytogenetic location: Xp11.4.
Variant type: single nucleotide variant.
Coding change: c.3186G>C on transcript NM_001034853.2 (MANE Select); coding-DNA position 3186, G replaced by C.
Protein change: p.Glu1062Asp; replaces glutamic acid 1062 with aspartic acid.
Molecular consequence: missense variant. On other transcripts: intron variant (8).
Genome position (GRCh38, 1-based): chrX:38,285,813, C>G on the plus strand (G>C on the coding strand, the complement: RPGR is on the minus strand). VCF-style: chrX-38285813-C-G. GRCh37 (hg19) VCF-style: chrX-38145066-C-G.
Other names: c.1569+5146G>C (NM_001367249.1, NM_001367250.1); c.1902+1281G>C (NM_001367245.1); c.1386+5146G>C (NM_001367251.1); c.1719+1281G>C (NM_001367246.1); c.1572+5146G>C (NM_001367247.1); c.1905+1281G>C (NM_000328.3); c.1602+5146G>C (NM_001367248.1); short protein forms E1062D.
Identifiers: ClinVar variation 2017094 (VCV002017094.4), dbSNP rs2519781008, ClinGen allele CA412728808.

ClinVar aggregate classification (germline): Uncertain significance (1 of 4 stars; one submission).

Conditions:
Primary ciliary dyskinesia. Also called: Ciliary dyskinesia. Identifiers: Orphanet 244, MedGen C0008780, MONDO:0016575, HP:0012265.

Submission:

Labcorp Genetics (formerly Invitae), Labcorp
Classification: Uncertain significance for Primary ciliary dyskinesia. Last evaluated: 2022-08-09. Review status: criteria provided, single submitter. Criteria: Invitae Variant Classification Sherloc (09022015). Collection method: clinical testing. Allele origin: germline.
Comment: Algorithms developed to predict the effect of missense changes on protein structure and function output the following: SIFT: "Not Available"; PolyPhen-2: "Not Available"; Align-GVGD: "Not Available". The aspartic acid amino acid residue is found in multiple mammalian species, which suggests that this missense change does not adversely affect protein function. This sequence change replaces glutamic acid, which is acidic and polar, with aspartic acid, which is acidic and polar, at codon 1062 of the RPGR (ORF15) protein (p.Glu1062Asp). This variant is not present in population databases (gnomAD no frequency). This variant has not been reported in the literature in individuals affected with RPGR (ORF15)-related conditions. In summary, the available evidence is currently insufficient to determine the role of this variant in disease. Therefore, it has been classified as a Variant of Uncertain Significance.